The following is an entry in ClinVar:

ClinVar aggregate classification (germline): Uncertain significance (1 of 4 stars; one submission).

Conditions:
Polycystic kidney disease 2 (PKD2). Also called: Polycystic Kidney Disease 2, Autosomal Dominant; POLYCYSTIC KIDNEY DISEASE 2 WITH OR WITHOUT POLYCYSTIC LIVER DISEASE; POLYCYSTIC KIDNEY DISEASE, ADULT, TYPE II. Identifiers: MedGen C2751306, MONDO:0013131, OMIM 613095.

gnomAD v4.1: 4 of 1,614,080 alleles (0.00025%); highest among the groups gnomAD compares: Non-Finnish European, 0.00025%; no homozygotes.

Submission:

MVZ Medizinische Genetik Mainz
Classification: Uncertain significance for Polycystic kidney disease 2. Last evaluated: 2025-07-23. Review status: criteria provided, single submitter. Criteria: UK Practice Guidelines For Variant Classification V4 01 2020. Collection method: clinical testing. Allele origin: germline. Inheritance: Autosomal dominant inheritance. Affected: yes. Observed: 1 variant allele.
Comment: ACMG Criteria: PM2_SUP,PP4

NM_000297.4(PKD2):c.2824A>G (p.Arg942Gly)

Gene: PKD2 (polycystin 2, transient receptor potential cation channel; plus strand). Cytogenetic location: 4q22.1.
Variant type: single nucleotide variant.
Coding change: c.2824A>G on transcript NM_000297.4 (MANE Select); coding-DNA position 2824, A replaced by G.
Protein change: p.Arg942Gly; replaces arginine 942 with glycine.
Molecular consequence: missense variant. On other transcripts: non-coding transcript variant (1).
Genome position (GRCh38, 1-based): chr4:88,075,611, A>G. VCF-style: chr4-88075611-A-G. GRCh37 (hg19) VCF-style: chr4-88996763-A-G.
Other names: c.2599A>G, p.Arg867Gly (NM_001440544.1); short protein forms R867G, R942G.
Identifiers: ClinVar variation 4077087 (VCV004077087.1).
Genomic context (GRCh38, chr4:88,075,611, plus strand): 5'-GCTTCCCAGATCAGTCATGGTTTAGGCACGCCAGTGGGACTAAATGGTCAACCTCGCCCC[A>G]GAAGCTCCCGCCCATCTTCCTCCCAATCTACAGAAGGCATGGAAGGTGCAGGTGGAAATG-3'
Protein context (NP_000288.1, residues 932-952): PVGLNGQPRP[Arg942Gly]SSRPSSSQST